The following is an entry in ClinVar:

ClinVar aggregate classification (germline): Uncertain significance (1 of 4 stars; one submission).

Submission:

Labcorp Genetics (formerly Invitae), Labcorp
Classification: Uncertain significance. Last evaluated: 2021-06-18. Review status: criteria provided, single submitter. Criteria: Invitae Variant Classification Sherloc (09022015). Collection method: clinical testing. Allele origin: germline.
Comment: This variant is not present in population databases (ExAC no frequency). In summary, the available evidence is currently insufficient to determine the role of this variant in disease. Therefore, it has been classified as a Variant of Uncertain Significance. Algorithms developed to predict the effect of sequence changes on RNA splicing suggest that this variant may create or strengthen a splice site, but this prediction has not been confirmed by published transcriptional studies. This variant has not been reported in the literature in individuals with CLCC1-related conditions. This sequence change affects codon 99 of the CLCC1 mRNA. It is a 'silent' change, meaning that it does not change the encoded amino acid sequence of the CLCC1 protein.

NM_001377458.1(CLCC1):c.297A>G (p.Arg99=)

Gene: CLCC1 (chloride channel CLIC like 1; minus strand). Cytogenetic location: 1p13.3.
Variant type: single nucleotide variant.
Coding change: c.297A>G on transcript NM_001377458.1 (MANE Select); coding-DNA position 297, A replaced by G.
Protein change: p.Arg99=; no amino-acid change (arginine 99 retained).
Molecular consequence: synonymous variant. On other transcripts: 5 prime UTR variant (1), non-coding transcript variant (1).
Genome position (GRCh38, 1-based): chr1:108,947,653, T>C on the plus strand (A>G on the coding strand, the complement: CLCC1 is on the minus strand). VCF-style: chr1-108947653-T-C. GRCh37 (hg19) VCF-style: chr1-109490275-T-C.
Other names: c.297A>G, p.Arg99= (NM_001048210.3, NM_001278202.2, NM_001278203.1 and 11 more transcripts); c.195A>G, p.Arg65= (NM_001377469.1); c.-166A>G (NM_001377470.1).
Identifiers: ClinVar variation 1514008 (VCV001514008.8), dbSNP rs2101673239, ClinGen allele CA419331718.